The following is an entry in ClinVar:

ClinVar aggregate classification (germline): Uncertain significance (1 of 4 stars; one submission).

Conditions:
RYR1-related disorder. Also called: RYR1-related condition; RYR1-related disorders. Identifiers: MedGen CN239331.

Submission:

Labcorp Genetics (formerly Invitae), Labcorp
Classification: Uncertain significance for RYR1-related disorder. Last evaluated: 2024-05-09. Review status: criteria provided, single submitter. Criteria: Invitae Variant Classification Sherloc (09022015). Collection method: clinical testing. Allele origin: germline.
Comment: This sequence change replaces aspartic acid, which is acidic and polar, with glutamic acid, which is acidic and polar, at codon 2730 of the RYR1 protein (p.Asp2730Glu). This variant is not present in population databases (gnomAD no frequency). This variant has not been reported in the literature in individuals affected with RYR1-related conditions. Advanced modeling of protein sequence and biophysical properties (such as structural, functional, and spatial information, amino acid conservation, physicochemical variation, residue mobility, and thermodynamic stability) performed at Invitae indicates that this missense variant is not expected to disrupt RYR1 protein function with a negative predictive value of 95%. In summary, the available evidence is currently insufficient to determine the role of this variant in disease. Therefore, it has been classified as a Variant of Uncertain Significance.

NM_000540.3(RYR1):c.8190T>A (p.Asp2730Glu)

Gene: RYR1 (ryanodine receptor 1; plus strand). Cytogenetic location: 19q13.2.
Variant type: single nucleotide variant.
Coding change: c.8190T>A on transcript NM_000540.3 (MANE Select); coding-DNA position 8190, T replaced by A.
Protein change: p.Asp2730Glu; replaces aspartic acid 2730 with glutamic acid.
Molecular consequence: missense variant.
Genome position (GRCh38, 1-based): chr19:38,504,870, T>A. VCF-style: chr19-38504870-T-A. GRCh37 (hg19) VCF-style: chr19-38995510-T-A.
Other names: c.8190T>A, p.Asp2730Glu (NM_001042723.2); short protein forms D2730E.
Identifiers: ClinVar variation 2748841 (VCV002748841.3), dbSNP rs2915951, ClinGen allele CA405676899.